The following is an entry in ClinVar:

NM_001267550.2(TTN):c.669+3A>G

Gene: TTN (titin; minus strand). Cytogenetic location: 2q31.2.
Variant type: single nucleotide variant.
Coding change: c.669+3A>G on transcript NM_001267550.2 (MANE Select); 3 bases into the intron after coding-DNA position 669, A replaced by G.
Molecular consequence: intron variant.
Genome position (GRCh38, 1-based): chr2:178,799,822, T>C on the plus strand (A>G on the coding strand, the complement: TTN is on the minus strand). VCF-style: chr2-178799822-T-C. GRCh37 (hg19) VCF-style: chr2-179664549-T-C.
Other names: c.669+3A>G (NM_003319.4, NM_133437.4, NM_133432.3 and 3 more transcripts).
Identifiers: ClinVar variation 2196892 (VCV002196892.3), dbSNP rs138206874, ClinGen allele CA2006262.

ClinVar aggregate classification (germline): Uncertain significance (1 of 4 stars; one submission).

Conditions:
Dilated cardiomyopathy 1G (CMD1G). Identifiers: Orphanet 154, MedGen C1858763, MONDO:0011400, OMIM 604145.
Autosomal recessive limb-girdle muscular dystrophy type 2J (LGMDR10). Also called: Limb-girdle muscular dystrophy, type 2J; MUSCULAR DYSTROPHY, LIMB-GIRDLE, AUTOSOMAL RECESSIVE 10. Identifiers: Orphanet 140922, MedGen C1837342, MONDO:0012127, OMIM 608807.

Allele frequency attached by ClinVar (database versions not stated): gnomAD 0.00001; TOPMed 0.00001; ExAC 0.00002; gnomAD exomes 0.00002; 1000 Genomes Project 30x 0.00016; 1000 Genomes Project 0.00020.
gnomAD v4.1: 33 of 1,614,062 alleles (0.002%); highest among the groups gnomAD compares: East Asian, 0.071%; no homozygotes.

Submission:

Labcorp Genetics (formerly Invitae), Labcorp
Classification: Uncertain significance for Dilated cardiomyopathy 1G; Autosomal recessive limb-girdle muscular dystrophy type 2J. Last evaluated: 2025-12-01. Review status: criteria provided, single submitter. Criteria: Invitae Variant Classification Sherloc (09022015). Collection method: clinical testing. Allele origin: germline.
Comment: This sequence change falls in intron 5 of the TTN gene. It does not directly change the encoded amino acid sequence of the TTN protein. It affects a nucleotide within the consensus splice site. This variant is present in population databases (rs138206874, gnomAD 0.006%). This variant has not been reported in the literature in individuals affected with TTN-related conditions. ClinVar contains an entry for this variant (Variation ID: 2196892). Variants that disrupt the consensus splice site are a relatively common cause of aberrant splicing (PMID: 17576681, 9536098). Algorithms developed to predict the effect of sequence changes on RNA splicing suggest that this variant is not likely to affect RNA splicing. This variant is located in the Z band of TTN (PMID: 25589632). Non-truncating variants in this region may be clinically relevant, but have not been definitively shown to cause cardiomyopathy or neuromuscular disease (PMID: 27493940, 32778822). In summary, the available evidence is currently insufficient to determine the role of this variant in disease. Therefore, it has been classified as a Variant of Uncertain Significance.

Literature cited by the submitters: PubMed 17576681; PubMed 9536098; PubMed 25589632; PubMed 27493940; PubMed 32778822.